The following is an entry in ClinVar:

NM_001378156.1(C1QB):c.260T>A (p.Val87Asp)

Gene: C1QB (complement C1q B chain; plus strand). Cytogenetic location: 1p36.12.
Variant type: single nucleotide variant.
Coding change: c.260T>A on transcript NM_001378156.1 (MANE Select); coding-DNA position 260, T replaced by A.
Protein change: p.Val87Asp; replaces valine 87 with aspartic acid.
Molecular consequence: missense variant.
Genome position (GRCh38, 1-based): chr1:22,660,890, T>A. VCF-style: chr1-22660890-T-A. GRCh37 (hg19) VCF-style: chr1-22987383-T-A.
Other names: c.260T>A, p.Val87Asp (NM_001371184.3); c.266T>A, p.Val89Asp (NM_000491.5); short protein forms V87D, V89D.
Identifiers: ClinVar variation 4875656 (VCV004875656.1).
Genomic context (GRCh38, chr1:22,660,890, plus strand): 5'-GAGACCATGGTGAGTTCGGAGAGAAGGGAGACCCAGGGATTCCTGGGAATCCAGGAAAAG[T>A]CGGCCCCAAGGGCCCCATGGGCCCTAAAGGTGGCCCAGGGGCCCCTGGAGCCCCAGGCCC-3'
Protein context (NP_001365085.1, residues 77-97): DPGIPGNPGK[Val87Asp]GPKGPMGPKG

ClinVar aggregate classification (germline): Likely pathogenic (1 of 4 stars; one submission).

Conditions:
C1Q deficiency 2. Identifiers: MedGen C5830422, MONDO:0958187, OMIM 620321.

Submission:

Department of Pediatrics, Peking Union Medical College Hospital, Chinese Academy of Medical Sciences & Peking Union Medical College
Classification: Likely pathogenic for C1Q deficiency 2. Last evaluated: 2026-07-15. Review status: criteria provided, single submitter. Criteria: ACMG Guidelines, 2015. Collection method: clinical testing. Allele origin: germline. Inheritance: Autosomal recessive inheritance. Affected: yes. Observed: 1 variant allele, 1 homozygote.
Comment: The variant is present at an extremely low frequency in the gnomAD population databases. In silico analyses predicted a deleterious effect, with a CADD score of 25.5, a “probably damaging” call by PolyPhen‑2, and a “disease‑causing” call by MutationTaster. Furthermore, our in vitro functional studies demonstrated that the Val87Asp variant disrupts normal C1q function in the patient. Collectively, the Val87Asp variant meets the criteria for classification as likely pathogenic, based on phenotype and inheritance pattern consistency, absence from controls, in silico pathogenicity predictions, and functional evidence.

Literature cited by the submitters: PubMed 21930969.